The following is an entry in ClinVar:

NM_003126.4(SPTA1):c.4339-99C>T

Gene: SPTA1 (spectrin alpha, erythrocytic 1; minus strand). Cytogenetic location: 1q23.1.
Variant type: single nucleotide variant.
Coding change: c.4339-99C>T on transcript NM_003126.4 (MANE Select); 99 bases into the intron before coding-DNA position 4339, C replaced by T.
Molecular consequence: intron variant.
Genome position (GRCh38, 1-based): chr1:158,643,524, G>A on the plus strand (C>T on the coding strand, the complement: SPTA1 is on the minus strand). VCF-style: chr1-158643524-G-A. GRCh37 (hg19) VCF-style: chr1-158613314-G-A.
Other names: spectrin LEPRA; p.?; IVS30, C-T, -99.
Identifiers: ClinVar variation 1030630 (VCV001030630.73), dbSNP rs200830867, ClinGen allele CA31267577.

ClinVar aggregate classification (germline): Pathogenic/Likely pathogenic. Review status: criteria provided, multiple submitters, no conflicts (2 of 4 stars). 19 submissions from 19 submitters: Pathogenic (17); Likely pathogenic (1). 1 of the submissions does not count toward it. Last evaluated 2026-09-01.

Conditions:
Pyropoikilocytosis, hereditary. Also called: Pyropoikilocytosis. Identifiers: MedGen C0520739, MONDO:0009948, OMIM 266140, HP:0004839. Disease mechanism: loss of function.
Hereditary spherocytosis type 3. Also called: Spherocytosis type 3; SPTA1-Related Spherocytosis. Identifiers: Orphanet 822, MedGen C2678338, MONDO:0010053, OMIM 270970.
Elliptocytosis 2 (EL2). Also called: ELLIPTOCYTOSIS, RHESUS-UNLINKED TYPE. Identifiers: Orphanet 288, MedGen C1851741, MONDO:0007533, OMIM 130600.
Hereditary spherocytosis (SPH). Also called: Congenital spherocytic hemolytic anemia; Congenital spherocytosis. Identifiers: Orphanet 822, MedGen C0037889, MONDO:0019350. Disease mechanism: loss of function.
Autosomal recessive SPTA1-related disorders.
SPTA1-related disorder. Also called: SPTA1-related condition; SPTA1-related disorders.

Allele frequency attached by ClinVar (database versions not stated): 1000 Genomes Project 0.00080; 1000 Genomes Project 30x 0.00109; TOPMed 0.00452.
gnomAD v4.1: 7,298 of 1,149,520 alleles (0.63%); highest among the groups gnomAD compares: Non-Finnish European, 0.89%; 43 homozygotes.

Submissions 1 to 12 of 19:

CeGaT Center for Human Genetics Tuebingen
Classification: Pathogenic. Last evaluated: 2026-09-01. Review status: criteria provided, single submitter. Criteria: CeGaT Center For Human Genetics Tuebingen Variant Classification Criteria Version 2. Collection method: clinical testing. Allele origin: germline. Affected: yes. Observed: 16 variant alleles.
Comment: SPTA1: PM3:Very Strong, PVS1, PM2:Supporting

Institute of Human Genetics, University of Leipzig Medical Center
Classification: Pathogenic for Hereditary spherocytosis type 3. Last evaluated: 2026-07-21. Review status: criteria provided, single submitter. Criteria: ACMG Guidelines, 2015. Collection method: clinical testing. Allele origin: paternal. Inheritance: Autosomal recessive inheritance. Affected: yes.
Comment: Criteria applied: PS3_MOD,PM2_SUP,PM3_VSTR,PP1,PP4

PreventionGenetics, part of Exact Sciences
Classification: Pathogenic for SPTA1-related condition. Last evaluated: 2026-07-13. Review status: criteria provided, single submitter. Criteria: ACMG Guidelines, 2015. Collection method: clinical testing. Allele origin: germline.
Comment: The SPTA1 c.4339-99C>T variant is predicted to interfere with splicing. This variant has been reported in the homozygous and compound heterozygous states in individuals with autosomal recessive hereditary spherocytosis (Wichterle et al. 1996. PubMed: 8941647; Chonat et al. 2019. PubMed ID: 31333484; Gallagher et al. 2019. PubMed ID: 31038472). Functional studies using a mini-gene splicing assay have confirmed that this variant causes aberrant splicing through generation of a cryptic splice acceptor site (variant referred to as LEPRA in Figure 4 of Gallagher et al. 2019. PubMed ID: 31038472). This variant is reported in 0.85% of alleles in individuals of European (Non-Finnish) descent in gnomAD. In summary, the c.4339-99C>T variant is categorized as pathogenic for autosomal recessive SPTA1-related disorders.

Dasa
Classification: Pathogenic. Last evaluated: 2026-03-25. Review status: criteria provided, single submitter. Criteria: DASA Assertion Criteria. Collection method: clinical testing. Allele origin: germline.
Comment: NM_003126.4(SPTA1):c.4339-99C>T is a splice-region variant predicted to affect normal RNA splicing. Functional evidence supports a deleterious effect on the gene or gene product (PMID: 8941647; PMID: 15384986; PMID: 31333484; PMID: 31723846; PMID: 31038472). This variant has been recurrently observed in individuals with related phenotype (PMID: 8941647; PMID: 15384986; PMID: 31333484; PMID: 31723846; PMID: 31038472). Segregation evidence has been reported in affected families. The variant is present at low frequency in population datasets. Based on the available data, this variant is classified as pathogenic.

Center for Genomic Medicine, Rigshospitalet, Copenhagen University Hospital
Classification: Pathogenic. Last evaluated: 2025-12-29. Review status: criteria provided, single submitter. Criteria: ACMG Guidelines, 2015. Collection method: clinical testing. Allele origin: germline.

Labcorp Genetics (formerly Invitae), Labcorp
Classification: Pathogenic. Last evaluated: 2025-12-24. Review status: criteria provided, single submitter. Criteria: Invitae Variant Classification Sherloc (09022015). Collection method: clinical testing. Allele origin: germline.
Comment: This sequence change falls in intron 30 of the SPTA1 gene. It does not directly change the encoded amino acid sequence of the SPTA1 protein. RNA analysis indicates that this variant induces altered splicing and may result in an absent or altered protein product. This variant is present in population databases (rs200830867, gnomAD 0.9%), and has an allele count higher than expected for a pathogenic variant. This variant has been observed in individual(s) with hereditary spherocytosis (PMID: 15384986). It has also been observed to segregate with disease in related individuals. This variant is also known as alpha LEPRA. ClinVar contains an entry for this variant (Variation ID: 1030630). Studies have shown that this variant alters SPTA1 gene expression (PMID: 8941647, 31333484). Studies have shown that this variant results in activation of a cryptic splice site, and produces a non-functional protein and/or introduces a premature termination codon (PMID: 8941647). For these reasons, this variant has been classified as Pathogenic.

Victorian Clinical Genetics Services, Murdoch Childrens Research Institute
Classification: Pathogenic for Hereditary spherocytosis type 3. Last evaluated: 2025-08-19. Review status: criteria provided, single submitter. Criteria: ACMG Guidelines, 2015. Collection method: clinical testing. Allele origin: germline. Affected: yes.
Comment: This variant is classified as Pathogenic. Evidence in support of pathogenic classification: Non-coding variant with known effect. Analysis of cDNA from an affected individual demonstrated the increased activation of a cryptic splice site, resulting in 70nt intron retention and therefore a frameshift in the aberrant transcript (PMID: 8941647). Further minigene assays recapitulated this intron retention and in vitro assays confirmed that mutant transcripts undergo nonsense-mediated decay (NMD) as a result of the premature termination codon (PMID: 31038472); Variant is present in gnomAD <0.01 (v4: 7212 heterozygote(s), 43 homozygote(s)); This variant has strong previous evidence of pathogenicity in unrelated individuals. Also known as a-LEPRA, this variant is commonly reported in both compound heterozygous and homozygous individuals with HPP or HS (PMID: 31038472). It is consistently classified as pathogenic by diagnostic laboratories in ClinVar; Other NMD-predicted variants comparable to the one identified in this case have very strong previous evidence for pathogenicity (ClinVar). Additional information: This variant is homozygous; This gene is associated with both recessive and dominant disease. Autosomal dominant HE are caused by variants resulting in structural defects, mostly located within the a-0 spectrin repeat (PMID: 18218854). HE-causing variants combined with low expression variants frequently results in HPP (PMID: 27667160). Finally, HS is a result of severe deficiency of a-spectrin (PMID: 31364155); Loss of function is a known mechanism of disease in this gene and is associated with elliptocytosis-2 (HE; MIM#130600), pyropoikilocytosis (HPP; MIM#266140) and spherocytosis, type 3 (HS; MIM#270970); Variants in this gene are known to have variable expressivity (PMID: 31364155); Inheritance information for this variant is not currently available in this individual.

First Genomix Gene Laboratory, Genetic Diagnostics Department
Classification: Pathogenic for Pyropoikilocytosis, hereditary; Hereditary spherocytosis type 3. Last evaluated: 2025-04-30. Review status: criteria provided, single submitter. Criteria: ACMG Guidelines, 2015. Collection method: clinical testing. Allele origin: germline. Inheritance: Autosomal recessive inheritance. Affected: no. Observed: 1 variant allele.

Revvity Omics, Revvity
Classification: Pathogenic. Last evaluated: 2025-04-10. Review status: criteria provided, single submitter. Criteria: ACMG Guidelines, 2015. Collection method: clinical testing. Allele origin: germline.

Variantyx, Inc.
Classification: Pathogenic for Autosomal recessive SPTA1-related disorders. Last evaluated: 2025-03-27. Review status: criteria provided, single submitter. Criteria: Variantyx Assertion Criteria 2022. Collection method: clinical testing. Allele origin: germline.
Comment: This is an intronic variant in the SPTA1 gene (OMIM: 182860). Pathogenic variants in this gene have been associated with autosomal recessive SPTA1-related disorders. This splicing variant is expected to result in loss of function, which is a known disease mechanism for SPTA1 in this disorder (PMID: 8941647, 31038472, 31333484) (PVS1). Algorithms that predict the potential impact of sequence variants on RNA splicing suggest that this variant has conflicting evidence regarding the effect on splicing. This variant has a 0.8868% maximum allele frequency in non-founder control populations. Based on the current evidence, this variant is classified as pathogenic for autosomal recessive SPTA1-related disorders.

Mayo Clinic Laboratories, Mayo Clinic
Classification: Pathogenic. Last evaluated: 2025-02-04. Review status: criteria provided, single submitter. Criteria: ACMG Guidelines, 2015. Collection method: clinical testing. Allele origin: germline. Observed: 69 variant alleles.

Blueprint Genetics
Classification: Pathogenic for SPTA1-related disorders. Last evaluated: 2024-11-26. Review status: criteria provided, single submitter. Criteria: ACMG Guidelines, 2015. Collection method: clinical testing. Allele origin: germline. Affected: yes. Observed: 5 variant alleles.